The following is an entry in ClinVar:

NM_000245.4(MET):c.248A>G (p.Glu83Gly)

Gene: MET (MET proto-oncogene, receptor tyrosine kinase; plus strand). Cytogenetic location: 7q31.2.
Variant type: single nucleotide variant.
Coding change: c.248A>G on transcript NM_000245.4 (MANE Select); coding-DNA position 248, A replaced by G.
Protein change: p.Glu83Gly; replaces glutamic acid 83 with glycine.
Molecular consequence: missense variant. On other transcripts: intron variant (1).
Genome position (GRCh38, 1-based): chr7:116,699,332, A>G. VCF-style: chr7-116699332-A-G. GRCh37 (hg19) VCF-style: chr7-116339386-A-G.
Other names: c.248A>G, p.Glu83Gly (NM_001127500.3, NM_001324401.3); c.-91+26755A>G (NM_001324402.2); short protein forms E83G.
Identifiers: ClinVar variation 2567666 (VCV002567666.2), dbSNP rs2116583864, ClinGen allele CA368968657.

ClinVar aggregate classification (germline): Uncertain significance (1 of 4 stars; one submission).

Conditions:
Hereditary cancer-predisposing syndrome. Also called: Hereditary neoplastic syndrome; Hereditary Cancer Syndrome; Neoplastic Syndromes, Hereditary; Tumor predisposition. Identifiers: Orphanet 140162, MedGen C0027672, MeSH D009386, MONDO:0015356.

Submission:

Ambry Genetics
Classification: Uncertain significance for Hereditary cancer-predisposing syndrome. Last evaluated: 2023-03-17. Review status: criteria provided, single submitter. Criteria: Ambry Variant Classification Scheme 2023. Collection method: clinical testing. Allele origin: germline.
Comment: The p.E83G variant (also known as c.248A>G), located in coding exon 1 of the MET gene, results from an A to G substitution at nucleotide position 248. The glutamic acid at codon 83 is replaced by glycine, an amino acid with similar properties. This amino acid position is conserved. In addition, this alteration is predicted to be tolerated by in silico analysis. Since supporting evidence is limited at this time, the clinical significance of this alteration remains unclear.